The following is an entry in ClinVar:

ClinVar aggregate classification (germline): Uncertain significance (1 of 4 stars; one submission).

Conditions:
Naxos disease (NXD). Also called: WOOLLY HAIR, PALMOPLANTAR KERATODERMA, AND CARDIAC ABNORMALITIES; KERATOSIS PALMOPLANTARIS WITH ARRHYTHMOGENIC CARDIOMYOPATHY; CARDIOMYOPATHY, ARRHYTHMOGENIC RIGHT VENTRICULAR, WITH SKIN, HAIR, AND NAIL ABNORMALITIES; MAL DE NAXOS; PALMOPLANTAR KERATODERMA WITH ARRHYTHMOGENIC RIGHT VENTRICULAR CARDIOMYOPATHY AND WOOLLY HAIR. Identifiers: Orphanet 34217, MedGen C1832600, MONDO:0011017, OMIM 601214.
Arrhythmogenic right ventricular dysplasia 12. Also called: ARRHYTHMOGENIC RIGHT VENTRICULAR DYSPLASIA, FAMILIAL, 12. Identifiers: MedGen C1969081, MONDO:0012684, OMIM 611528.

Submission:

Labcorp Genetics (formerly Invitae), Labcorp
Classification: Uncertain significance for Arrhythmogenic right ventricular dysplasia 12; Naxos disease. Last evaluated: 2019-12-19. Review status: criteria provided, single submitter. Criteria: Invitae Variant Classification Sherloc (09022015). Collection method: clinical testing. Allele origin: germline.
Comment: This variant is not present in population databases (ExAC no frequency). This sequence change replaces glycine with arginine at codon 358 of the JUP protein (p.Gly358Arg). The glycine residue is moderately conserved and there is a moderate physicochemical difference between glycine and arginine. This variant has not been reported in the literature in individuals with JUP-related conditions. Algorithms developed to predict the effect of missense changes on protein structure and function are either unavailable or do not agree on the potential impact of this missense change (SIFT: "Tolerated"; PolyPhen-2: "Probably Damaging"; Align-GVGD: "Class C0"). In summary, the available evidence is currently insufficient to determine the role of this variant in disease. Therefore, it has been classified as a Variant of Uncertain Significance.

NM_002230.4(JUP):c.1072G>C (p.Gly358Arg)

Gene: JUP (junction plakoglobin; minus strand). Cytogenetic location: 17q21.2.
Variant type: single nucleotide variant.
Coding change: c.1072G>C on transcript NM_002230.4 (MANE Select); coding-DNA position 1072, G replaced by C.
Protein change: p.Gly358Arg; replaces glycine 358 with arginine.
Molecular consequence: missense variant.
Genome position (GRCh38, 1-based): chr17:41,764,799, C>G on the plus strand (G>C on the coding strand, the complement: JUP is on the minus strand). VCF-style: chr17-41764799-C-G. GRCh37 (hg19) VCF-style: chr17-39921051-C-G.
Other names: c.1072G>C, p.Gly358Arg (NM_001352773.2, NM_001352774.2, NM_001352775.2 and 3 more transcripts); short protein forms G358R.
Identifiers: ClinVar variation 860216 (VCV000860216.10), dbSNP rs1915435636, ClinGen allele CA399499085.